The following is an entry in ClinVar:

NM_032043.3(BRIP1):c.478del (p.Arg160fs)

Gene: BRIP1 (BRCA1 interacting DNA helicase 1; minus strand). Cytogenetic location: 17q23.2.
Variant type: Deletion.
Coding change: c.478del on transcript NM_032043.3 (MANE Select); coding-DNA position 478, one base deleted (A; older notation c.478delA).
Protein change: p.Arg160fs; shifts the reading frame from arginine 160.
Molecular consequence: frameshift variant.
Genome position (GRCh38, 1-based): chr17:61,849,158, T deleted on the plus strand (A on the coding strand, the reverse complement: BRIP1 is on the minus strand); the first of 4 consecutive T bases (chr17:61,849,158-61,849,161); deleting any one gives the same sequence. VCF-style (leftmost placement, unchanged base first): chr17-61849157-CT-C. GRCh37 (hg19) VCF-style: chr17-59926518-CT-C.
Other names: c.478delA (NM_032043.2); short protein forms R160fs.
Identifiers: ClinVar variation 461048 (VCV000461048.11), dbSNP rs1555616150, ClinGen allele CA658658687.

ClinVar aggregate classification (germline): Pathogenic. Review status: criteria provided, multiple submitters, no conflicts (2 of 4 stars). 4 submissions from 3 submitters: Pathogenic (4). Last evaluated 2026-07-23.

Conditions:
Familial cancer of breast. Also called: hereditary breast carcinoma; Hereditary breast cancer; BREAST CANCER, FAMILIAL. Identifiers: Orphanet 227535, MedGen C0346153, MONDO:0016419, OMIM 114480. Disease mechanism: loss of function.
Hereditary cancer-predisposing syndrome. Also called: Neoplastic Syndromes, Hereditary; Hereditary neoplastic syndrome; Hereditary Cancer Syndrome; Tumor predisposition. Identifiers: Orphanet 140162, MedGen C0027672, MeSH D009386, MONDO:0015356.
Fanconi anemia complementation group J. Also called: BRIP1-Related Fanconi Anemia. Identifiers: Orphanet 84, MedGen C1836860, MONDO:0012187, OMIM 609054.

Submissions (4):

Ambry Genetics
Classification: Pathogenic for Hereditary cancer-predisposing syndrome. Last evaluated: 2026-07-23. Review status: criteria provided, single submitter. Criteria: Ambry Variant Classification Scheme 2023. Collection method: clinical testing. Allele origin: germline.
Comment: The c.478delA pathogenic mutation, located in coding exon 4 of the BRIP1 gene, results from a deletion of one nucleotide at nucleotide position 478, causing a translational frameshift with a predicted alternate stop codon (p.R160Efs*5). This variant is considered to be rare based on population cohorts in the Genome Aggregation Database (gnomAD). This alteration is expected to result in loss of function by premature protein truncation or nonsense-mediated mRNA decay. As such, this alteration is interpreted as a disease-causing mutation.

Myriad Genetics, Inc.
Classification: Pathogenic for Familial cancer of breast. Last evaluated: 2023-05-31. Review status: criteria provided, single submitter. Criteria: Myriad Autosomal Dominant, Autosomal Recessive and X-Linked Classification Criteria (2023). Collection method: clinical testing. Allele origin: unknown.
Comment: This variant is considered pathogenic. This variant creates a frameshift predicted to result in premature protein truncation.

Labcorp Genetics (formerly Invitae), Labcorp
Classification: Pathogenic for Familial cancer of breast; Fanconi anemia complementation group J. Last evaluated: 2020-05-05. Review status: criteria provided, single submitter. Criteria: Invitae Variant Classification Sherloc (09022015). Collection method: clinical testing. Allele origin: germline.
Comment: This sequence change creates a premature translational stop signal (p.Arg160Glufs*5) in the BRIP1 gene. It is expected to result in an absent or disrupted protein product. This variant is not present in population databases (ExAC no frequency). This variant has not been reported in the literature in individuals with BRIP1-related disease. ClinVar contains an entry for this variant (Variation ID: 461048). Loss-of-function variants in BRIP1 are known to be pathogenic (PMID: 16116423, 17033622, 21964575). For these reasons, this variant has been classified as Pathogenic.

Labcorp Genetics (formerly Invitae), Labcorp
Classification: Pathogenic for Familial cancer of breast. Last evaluated: 2017-07-05. Review status: criteria provided, single submitter. Criteria: Invitae Variant Classification Sherloc (09022015). Collection method: clinical testing. Allele origin: germline.
Comment: This sequence change creates a premature translational stop signal (p.Arg160Glufs*5) in the BRIP1 gene. It is expected to result in an absent or disrupted protein product. This variant is not present in population databases (ExAC no frequency). This variant has not been reported in the literature in individuals with BRIP1-related disease. Loss-of-function variants in BRIP1 are known to be pathogenic (PMID: 16116423, 17033622, 21964575). For these reasons, this variant has been classified as Pathogenic.

Literature cited by the submitters: PubMed 16116423 (cited by Labcorp Genetics (formerly Invitae), Labcorp); PubMed 17033622 (cited by Labcorp Genetics (formerly Invitae), Labcorp); PubMed 21964575 (cited by Labcorp Genetics (formerly Invitae), Labcorp).